The following is an entry in ClinVar:

ClinVar aggregate classification (germline): Likely pathogenic (1 of 4 stars; one submission).

Conditions:
Hereditary nonpolyposis colon cancer (HNPCC). Also called: Hereditary Nonpolyposis Colorectal Cancer Syndrome; Hereditary nonpolyposis colorectal cancer; Familial nonpolyposis colon cancer. Identifiers: Orphanet 443909, MedGen C1333990, MONDO:0018630. Disease mechanism: loss of function.

Submission:

Women's Health and Genetics/Laboratory Corporation of America, LabCorp
Classification: Likely pathogenic for Hereditary nonpolyposis colon cancer. Last evaluated: 2026-05-01. Review status: criteria provided, single submitter. Criteria: LabCorp Variant Classification Summary - May 2015. Collection method: clinical testing. Allele origin: germline.
Comment: Variant summary: The variant involves the duplication of exon 5 in the PMS2 gene. A presumed nomenclature of c.(353+1_354-1)_(537+1_538-1)dup has been designated for the purposes of this classification. It is assumed to be a tandem duplication in direct orientation (PMIDs: 25640679, 30054569). This Copy Number Variant (CNV) is expected to alter the reading frame and predicted to result in a truncation or absence of the encoded protein due to nonsense mediated decay (NMD). Loss-of-function variants in this gene are known to be pathogenic. The variant was absent in 21688 control chromosomes. To our knowledge, no occurrence of c.(353+1_354-1)_(537+1_538-1)dup in individuals affected with PMS2-related conditions and no experimental evidence demonstrating its impact on protein function have been reported. No submitters have cited clinical-significance assessments for this variant to ClinVar. Based on the evidence outlined above, the variant was classified as likely pathogenic.

NC_000007.13:g.(6038907_6042083)_(6042268_6043320)dup

Gene: PMS2 (PMS1 homolog 2, mismatch repair system component; minus strand). Cytogenetic location: 7p22.1.
Variant type: Duplication.
Identifiers: ClinVar variation 4853622 (VCV004853622.1).